The following is an entry in ClinVar:

ClinVar aggregate classification (germline): Pathogenic (1 of 4 stars; one submission).

Submission:

Labcorp Genetics (formerly Invitae), Labcorp
Classification: Pathogenic. Last evaluated: 2021-11-12. Review status: criteria provided, single submitter. Criteria: Invitae Variant Classification Sherloc (09022015). Collection method: clinical testing. Allele origin: germline.
Comment: This sequence change creates a premature translational stop signal (p.Trp134*) in the OPA1 gene. It is expected to result in an absent or disrupted protein product. Loss-of-function variants in OPA1 are known to be pathogenic (PMID: 11440988, 20157015, 20952381, 25012220). This variant is not present in population databases (gnomAD no frequency). This variant has not been reported in the literature in individuals affected with OPA1-related conditions. Algorithms developed to predict the effect of sequence changes on RNA splicing suggest that this variant may create or strengthen a splice site. For these reasons, this variant has been classified as Pathogenic.

Literature cited by the submitters: PubMed 11440988; PubMed 20157015; PubMed 20952381; PubMed 25012220.

NM_130837.3(OPA1):c.401G>A (p.Trp134Ter)

Gene: OPA1 (OPA1 mitochondrial dynamin like GTPase; plus strand). Cytogenetic location: 3q29.
Variant type: single nucleotide variant.
Coding change: c.401G>A on transcript NM_130837.3 (MANE Select); coding-DNA position 401, G replaced by A.
Protein change: p.Trp134Ter; replaces tryptophan 134 with a stop codon.
Molecular consequence: nonsense.
Genome position (GRCh38, 1-based): chr3:193,615,723, G>A. VCF-style: chr3-193615723-G-A. GRCh37 (hg19) VCF-style: chr3-193333512-G-A.
Other names: c.29G>A, p.Trp10Ter (NM_001354663.2, NM_001354664.2); c.401G>A, p.Trp134Ter (NM_015560.3, NM_130831.3, NM_130832.3 and 4 more transcripts); short protein forms W10*, W134*.
Identifiers: ClinVar variation 1448649 (VCV001448649.6), dbSNP rs2108869161, ClinGen allele CA355787151.